The following is an entry in ClinVar:

ClinVar aggregate classification (germline): Conflicting classifications of pathogenicity. Review status: criteria provided, conflicting classifications (1 of 4 stars). 3 submissions from 3 submitters: Uncertain significance (2); Likely benign (1). Last evaluated 2026-02-01.

Conditions:
Congenital contractural arachnodactyly (CCA). Also called: Beals-Hecht syndrome; BEALS SYNDROME; Arthrogryposis, distal, type 9. Identifiers: Orphanet 115, MedGen C0220668, MONDO:0007363, OMIM 121050.
Familial thoracic aortic aneurysm and aortic dissection (TAAD). Also called: Thoracic aortic aneurysms and dissections. Identifiers: Orphanet 91387, MedGen C4707243, MONDO:0019625.

Allele frequency attached by ClinVar (database versions not stated): ExAC 0.00002; gnomAD exomes 0.00003; TOPMed 0.00003.
gnomAD v4.1: 58 of 1,613,966 alleles (0.0036%); highest among the groups gnomAD compares: Non-Finnish European, 0.0046%; no homozygotes.

Submissions (3):

Labcorp Genetics (formerly Invitae), Labcorp
Classification: Likely benign for Congenital contractural arachnodactyly. Last evaluated: 2026-02-01. Review status: criteria provided, single submitter. Criteria: Invitae Variant Classification Sherloc (09022015). Collection method: clinical testing. Allele origin: germline.

Ambry Genetics
Classification: Uncertain significance for Familial thoracic aortic aneurysm and aortic dissection. Last evaluated: 2024-12-30. Review status: criteria provided, single submitter. Criteria: Ambry Variant Classification Scheme 2023. Collection method: clinical testing. Allele origin: germline.
Comment: The p.G364D variant (also known as c.1091G>A), located in coding exon 9 of the FBN2 gene, results from a G to A substitution at nucleotide position 1091. The glycine at codon 364 is replaced by aspartic acid, an amino acid with similar properties. This amino acid position is highly conserved in available vertebrate species. In addition, this alteration is predicted to be deleterious by in silico analysis. Based on the available evidence, the clinical significance of this variant remains unclear.

GeneDx
Classification: Uncertain significance. Last evaluated: 2023-10-19. Review status: criteria provided, single submitter. Criteria: GeneDx Variant Classification Process June 2021. Collection method: clinical testing. Allele origin: germline. Affected: yes.
Comment: Has not been previously published as pathogenic or benign to our knowledge; In silico analysis supports that this missense variant has a deleterious effect on protein structure/function; Does not affect a cysteine residue within a calcium-binding EGF-like domain of the FBN2 gene; cysteine substitutions in the calcium-binding EGF-like domains represent the majority of pathogenic missense changes associated with FBN2-related disorders (Frederic et al., 2009).; This variant is associated with the following publications: (PMID: 18767143)

NM_001999.4(FBN2):c.1091G>A (p.Gly364Asp)

Gene: FBN2 (fibrillin 2; minus strand). Cytogenetic location: 5q23.3.
Variant type: single nucleotide variant.
Coding change: c.1091G>A on transcript NM_001999.4 (MANE Select); coding-DNA position 1091, G replaced by A.
Protein change: p.Gly364Asp; replaces glycine 364 with aspartic acid.
Molecular consequence: missense variant.
Genome position (GRCh38, 1-based): chr5:128,395,262, C>T on the plus strand (G>A on the coding strand, the complement: FBN2 is on the minus strand). VCF-style: chr5-128395262-C-T. GRCh37 (hg19) VCF-style: chr5-127730955-C-T.
Other names: short protein forms G364D.
Identifiers: ClinVar variation 458729 (VCV000458729.11), dbSNP rs762615993, ClinGen allele CA3395884.